The following is an entry in ClinVar:

ClinVar aggregate classification (germline): Uncertain significance (1 of 4 stars; one submission).

Conditions:
Neuroblastoma, susceptibility to, 3. Also called: ALK-Related Neuroblastic Tumor Susceptibility. Identifiers: Orphanet 635, MedGen C2751681, MONDO:0013083, OMIM 613014.

Allele frequency attached by ClinVar (database versions not stated): gnomAD exomes below 0.00001; ExAC 0.00001.
gnomAD v4.1: 1 of 1,613,410 alleles (0.000062%); highest among the groups gnomAD compares: Admixed American, 0.0017%; no homozygotes.

Submission:

Labcorp Genetics (formerly Invitae), Labcorp
Classification: Uncertain significance for Neuroblastoma, susceptibility to, 3. Last evaluated: 2025-11-21. Review status: criteria provided, single submitter. Criteria: Invitae Variant Classification Sherloc (09022015). Collection method: clinical testing. Allele origin: germline.
Comment: This sequence change replaces alanine, which is neutral and non-polar, with threonine, which is neutral and polar, at codon 162 of the ALK protein (p.Ala162Thr). This variant is present in population databases (rs749455860, gnomAD 0.003%). This variant has not been reported in the literature in individuals affected with ALK-related conditions. ClinVar contains an entry for this variant (Variation ID: 2742446). An algorithm developed to predict the effect of missense changes on protein structure and function outputs the following: PolyPhen-2: "Benign". The threonine amino acid residue is found in multiple mammalian species, which suggests that this missense change does not adversely affect protein function. In summary, the available evidence is currently insufficient to determine the role of this variant in disease. Therefore, it has been classified as a Variant of Uncertain Significance.

NM_004304.5(ALK):c.484G>A (p.Ala162Thr)

Gene: ALK (ALK receptor tyrosine kinase; minus strand). Cytogenetic location: 2p23.1.
Variant type: single nucleotide variant.
Coding change: c.484G>A on transcript NM_004304.5 (MANE Select); coding-DNA position 484, G replaced by A.
Protein change: p.Ala162Thr; replaces alanine 162 with threonine.
Molecular consequence: missense variant.
Genome position (GRCh38, 1-based): chr2:29,920,176, C>T on the plus strand (G>A on the coding strand, the complement: ALK is on the minus strand). VCF-style: chr2-29920176-C-T. GRCh37 (hg19) VCF-style: chr2-30143042-C-T.
Other names: short protein forms A162T.
Identifiers: ClinVar variation 2742446 (VCV002742446.3), dbSNP rs749455860, ClinGen allele CA1594956.